The following is an entry in ClinVar:

ClinVar aggregate classification (germline): Uncertain significance (1 of 4 stars; one submission).

Submission:

CeGaT Center for Human Genetics Tuebingen
Classification: Uncertain significance. Last evaluated: 2025-04-01. Review status: criteria provided, single submitter. Criteria: CeGaT Center For Human Genetics Tuebingen Variant Classification Criteria Version 2. Collection method: clinical testing. Allele origin: germline. Affected: yes. Observed: 1 variant allele.
Comment: PIEZO1: PM2

NM_001142864.4(PIEZO1):c.1478C>T (p.Pro493Leu)

Genes: HSALR1 (HSP90AB1 associated lncRNA 1; plus strand), PIEZO1 (piezo type mechanosensitive ion channel component 1 (Er blood group); minus strand). Cytogenetic location: 16q24.3.
Variant type: single nucleotide variant.
Coding change: c.1478C>T on transcript NM_001142864.4 (MANE Select); coding-DNA position 1478, C replaced by T.
Protein change: p.Pro493Leu; replaces proline 493 with leucine.
Molecular consequence: missense variant.
Genome position (GRCh38, 1-based): chr16:88,736,227, G>A on the plus strand (C>T on the coding strand, the complement: PIEZO1 is on the minus strand). VCF-style: chr16-88736227-G-A. GRCh37 (hg19) VCF-style: chr16-88802635-G-A.
Other names: short protein forms P493L.
Identifiers: ClinVar variation 3905758 (VCV003905758.10).
Genomic context (GRCh38, chr16:88,736,227, plus strand): 5'-CAGGGGTAGCGGGTGTGCTCCAGCCCCAGCTGGCGCAGGCTGACGGGGCCCAGGGTGGTG[G>A]GCAGCTCAGGGCGCAGGTCCATGGCCCACACGTAGCGTAGGCAGCACAGCGTCATCCCAT-3'
Protein context (NP_001136336.2, residues 483-503): VWAMDLRPEL[Pro493Leu]TTLGPVSLRQ